The following is an entry in ClinVar:

NM_001414.4(EIF2B1):c.820G>C (p.Asp274His)

Genes: EIF2B1 (eukaryotic translation initiation factor 2B subunit alpha; minus strand), LOC126861664 (CDK7 strongly-dependent group 2 enhancer GRCh37_chr12:124105924-124107123; plus strand). Cytogenetic location: 12q24.31.
Variant type: single nucleotide variant.
Coding change: c.820G>C on transcript NM_001414.4 (MANE Select); coding-DNA position 820, G replaced by C.
Protein change: p.Asp274His; replaces aspartic acid 274 with histidine.
Molecular consequence: missense variant.
Genome position (GRCh38, 1-based): chr12:123,621,854, C>G on the plus strand (G>C on the coding strand, the complement: EIF2B1 is on the minus strand). VCF-style: chr12-123621854-C-G. GRCh37 (hg19) VCF-style: chr12-124106401-C-G.
Other names: short protein forms D274H.
Identifiers: ClinVar variation 1465208 (VCV001465208.3), dbSNP rs747557144, ClinGen allele CA387138316.

ClinVar aggregate classification (germline): Uncertain significance (1 of 4 stars; one submission).

gnomAD v4.1: 1 of 1,613,890 alleles (0.000062%); highest among the groups gnomAD compares: African/African-American, 0.0013%; no homozygotes.

Submission:

Labcorp Genetics (formerly Invitae), Labcorp
Classification: Uncertain significance. Last evaluated: 2022-07-18. Review status: criteria provided, single submitter. Criteria: Invitae Variant Classification Sherloc (09022015). Collection method: clinical testing. Allele origin: germline.
Comment: This sequence change replaces aspartic acid, which is acidic and polar, with histidine, which is basic and polar, at codon 274 of the EIF2B1 protein (p.Asp274His). This variant is not present in population databases (gnomAD no frequency). This variant has not been reported in the literature in individuals affected with EIF2B1-related conditions. ClinVar contains an entry for this variant (Variation ID: 1465208). Algorithms developed to predict the effect of missense changes on protein structure and function (SIFT, PolyPhen-2, Align-GVGD) all suggest that this variant is likely to be disruptive. In summary, the available evidence is currently insufficient to determine the role of this variant in disease. Therefore, it has been classified as a Variant of Uncertain Significance.